The following is an entry in ClinVar:

NM_000090.4(COL3A1):c.2503G>C (p.Glu835Gln)

Gene: COL3A1 (collagen type III alpha 1 chain; plus strand). Cytogenetic location: 2q32.2.
Variant type: single nucleotide variant.
Coding change: c.2503G>C on transcript NM_000090.4 (MANE Select); coding-DNA position 2503, G replaced by C.
Protein change: p.Glu835Gln; replaces glutamic acid 835 with glutamine.
Molecular consequence: missense variant.
Genome position (GRCh38, 1-based): chr2:189,003,012, G>C. VCF-style: chr2-189003012-G-C. GRCh37 (hg19) VCF-style: chr2-189867738-G-C.
Other names: p.Glu835Gln; short protein forms E835Q.
Identifiers: ClinVar variation 3233407 (VCV003233407.1), dbSNP rs2469150715, ClinGen allele CA349842813.

ClinVar aggregate classification (germline): Uncertain significance (1 of 4 stars; one submission).

Conditions:
Ehlers-Danlos syndrome, type 4 (EDSVASC). Also called: Ehlers-Danlos syndrome vascular type; Ehlers Danlos syndrome, ecchymotic type; Ehlers Danlos syndrome, arterial type; Ehlers Danlos syndrome, Sack-Barabas type; Ehlers-Danlos Syndrome Type IV. Identifiers: Orphanet 286, MedGen C0268338, MONDO:0017314, OMIM 130050.

Submission:

Clinical Genomics Laboratory, Stanford Medicine
Classification: Uncertain significance for Ehlers-Danlos syndrome, type 4. Last evaluated: 2021-05-17. Review status: criteria provided, single submitter. Criteria: ACMG Guidelines, 2015. Collection method: clinical testing. Allele origin: germline. Affected: yes. Observed: 1 heterozygote.
Comment: • The p.Glu835Gln variant in the COL3A1 gene has not been previously reported in association with disease. • This variant was absent from large population databases, including the Genome Aggregation Database. • Computational tools predict that the p.Glu835Gln variant is deleterious; however, the accuracy of in silico algorithms is limited. • These data were assessed using the ACMG/AMP variant interpretation guidelines. In summary, the significance of the p.Glu835Gln variant is uncertain. Additional information is needed to resolve the significance of this variant. [ACMG evidence codes used: PM2; PP3]